The following is an entry in ClinVar:

ClinVar aggregate classification (germline): Uncertain significance (1 of 4 stars; one submission).

Conditions:
Cardiovascular phenotype. Identifiers: MedGen CN230736.

Submission:

Ambry Genetics
Classification: Uncertain significance for Cardiovascular phenotype. Last evaluated: 2022-06-19. Review status: criteria provided, single submitter. Criteria: Ambry Variant Classification Scheme 2023. Collection method: clinical testing. Allele origin: germline.
Comment: The p.T3694S variant (also known as c.11081C>G), located in coding exon 26 of the APOB gene, results from a C to G substitution at nucleotide position 11081. The threonine at codon 3694 is replaced by serine, an amino acid with similar properties. This amino acid position is conserved. In addition, this alteration is predicted to be tolerated by in silico analysis. Since supporting evidence is limited at this time, the clinical significance of this alteration remains unclear.

NM_000384.3(APOB):c.11081C>G (p.Thr3694Ser)

Gene: APOB (apolipoprotein B; minus strand). Cytogenetic location: 2p24.1.
Variant type: single nucleotide variant.
Coding change: c.11081C>G on transcript NM_000384.3 (MANE Select); coding-DNA position 11081, C replaced by G.
Protein change: p.Thr3694Ser; replaces threonine 3694 with serine.
Molecular consequence: missense variant.
Genome position (GRCh38, 1-based): chr2:21,005,787, G>C on the plus strand (C>G on the coding strand, the complement: APOB is on the minus strand). VCF-style: chr2-21005787-G-C. GRCh37 (hg19) VCF-style: chr2-21228659-G-C.
Other names: short protein forms T3694S.
Identifiers: ClinVar variation 1794131 (VCV001794131.2), dbSNP rs1041991285, ClinGen allele CA43494651.
Genomic context (GRCh38, chr2:21,005,787, plus strand): 5'-GGGTTTTTGGTGTACACAAAGGCAGTTGAAACACGAAGATGCTGTCTCCTACCAATGCTG[G>C]TGGTTACATCCAGCTTTAGGAAATCCCATAAGCTCTTGTCATAGACTGGTAGGATGATAT-3'
Protein context (NP_000375.3, residues 3684-3704): LWDFLKLDVT[Thr3694Ser]SIGRRQHLRV